The following is an entry in ClinVar:

ClinVar aggregate classification (germline): Uncertain significance. Review status: criteria provided, multiple submitters, no conflicts (2 of 4 stars). 2 submissions from 2 submitters: Uncertain significance (2). Last evaluated 2025-12-11.

Conditions:
Hereditary spastic paraplegia 5A (SPG5A). Also called: SPASTIC PARAPLEGIA 5A, AUTOSOMAL RECESSIVE. Identifiers: Orphanet 100986, MedGen C1849115, MONDO:0010047, OMIM 270800.
Spastic paraplegia. Identifiers: MedGen C0037772, HP:0001258.

Allele frequency attached by ClinVar (database versions not stated): TOPMed below 0.00001; gnomAD exomes 0.00006 and 0.00011; ExAC 0.00018.
gnomAD v4.1: 36 of 1,613,694 alleles (0.0022%); highest among the groups gnomAD compares: Non-Finnish European, 0.003%; no homozygotes.

Submissions (2):

Labcorp Genetics (formerly Invitae), Labcorp
Classification: Uncertain significance for Spastic paraplegia. Last evaluated: 2025-12-11. Review status: criteria provided, single submitter. Criteria: Invitae Variant Classification Sherloc (09022015). Collection method: clinical testing. Allele origin: germline.
Comment: This sequence change replaces histidine, which is basic and polar, with tyrosine, which is neutral and polar, at codon 340 of the CYP7B1 protein (p.His340Tyr). This variant is present in population databases (rs757698965, gnomAD 0.02%). This variant has not been reported in the literature in individuals affected with CYP7B1-related conditions. ClinVar contains an entry for this variant (Variation ID: 363581). Invitae Evidence Modeling of protein sequence and biophysical properties (such as structural, functional, and spatial information, amino acid conservation, physicochemical variation, residue mobility, and thermodynamic stability) indicates that this missense variant is not expected to disrupt CYP7B1 protein function with a negative predictive value of 95%. In summary, the available evidence is currently insufficient to determine the role of this variant in disease. Therefore, it has been classified as a Variant of Uncertain Significance.

Illumina Laboratory Services, Illumina
Classification: Uncertain significance for Hereditary spastic paraplegia 5A. Last evaluated: 2018-01-13. Review status: criteria provided, single submitter. Criteria: ICSL Variant Classification Criteria 13 December 2019. Collection method: clinical testing. Allele origin: germline.

NM_004820.5(CYP7B1):c.1018C>T (p.His340Tyr)

Gene: CYP7B1 (cytochrome P450 family 7 subfamily B member 1; minus strand). Cytogenetic location: 8q12.3.
Variant type: single nucleotide variant.
Coding change: c.1018C>T on transcript NM_004820.5 (MANE Select); coding-DNA position 1018, C replaced by T.
Protein change: p.His340Tyr; replaces histidine 340 with tyrosine.
Molecular consequence: missense variant.
Genome position (GRCh38, 1-based): chr8:64,615,065, G>A on the plus strand (C>T on the coding strand, the complement: CYP7B1 is on the minus strand). VCF-style: chr8-64615065-G-A. GRCh37 (hg19) VCF-style: chr8-65527622-G-A.
Other names: c.1018C>T, p.His340Tyr (NM_001324112.2); short protein forms H340Y.
Identifiers: ClinVar variation 363581 (VCV000363581.10), dbSNP rs757698965, ClinGen allele CA4764088.